The following is an entry in ClinVar:

NM_000422.3(KRT17):c.89G>A (p.Arg30Gln)

Gene: KRT17 (keratin 17; minus strand). Cytogenetic location: 17q21.2.
Variant type: single nucleotide variant.
Coding change: c.89G>A on transcript NM_000422.3 (MANE Select); coding-DNA position 89, G replaced by A.
Protein change: p.Arg30Gln; replaces arginine 30 with glutamine.
Molecular consequence: missense variant.
Genome position (GRCh38, 1-based): chr17:41,624,421, C>T on the plus strand (G>A on the coding strand, the complement: KRT17 is on the minus strand). VCF-style: chr17-41624421-C-T. GRCh37 (hg19) VCF-style: chr17-39780673-C-T.
Other names: c.89G>A (NM_000422.2); short protein forms R30Q.
Identifiers: ClinVar variation 2069877 (VCV002069877.5), dbSNP rs2229512, ClinGen allele CA8563853.
Genomic context (GRCh38, chr17:41,624,421, plus strand): 5'-CTGCCCAGGCCGCCAGCAGATCCCAGCCTGCAGGAGCCGGCACCCAGGCCGCCAGACAGC[C>T]GGCAGGAGGTGCGGGACGAGCCGCCCCCCAGGCCGGAGGAGCCCTTGATGGAGCTGGAGG-3'
Protein context (NP_000413.1, residues 20-40): LGGGSSRTSC[Arg30Gln]LSGGLGAGSC

ClinVar aggregate classification (germline): Likely benign. Review status: criteria provided, multiple submitters, no conflicts (2 of 4 stars). 2 submissions from 2 submitters: Likely benign (2). Last evaluated 2026-08-05.

Conditions:
KRT17-related disorder. Also called: KRT17-related condition.

Allele frequency attached by ClinVar (database versions not stated): 1000 Genomes Project 0.00060; 1000 Genomes Project 30x 0.00062.
gnomAD v4.1: 378 of 1,610,226 alleles (0.023%); highest among the groups gnomAD compares: Non-Finnish European, 0.024%; no homozygotes.

Submissions (2):

PreventionGenetics, part of Exact Sciences
Classification: Likely benign for KRT17-related condition. Last evaluated: 2026-08-05. Review status: criteria provided, single submitter. Criteria: ACMG Guidelines, 2015. Collection method: clinical testing. Allele origin: germline.
Comment: This variant is classified as likely benign based on ACMG/AMP sequence variant interpretation guidelines (Richards et al. 2015 PMID: 25741868, with internal and published modifications).

Labcorp Genetics (formerly Invitae), Labcorp
Classification: Likely benign. Last evaluated: 2025-08-27. Review status: criteria provided, single submitter. Criteria: Invitae Variant Classification Sherloc (09022015). Collection method: clinical testing. Allele origin: germline.